The following is an entry in ClinVar:

NM_007272.3(CTRC):c.445C>T (p.Leu149Phe)

Gene: CTRC (chymotrypsin C; plus strand). Cytogenetic location: 1p36.21.
Variant type: single nucleotide variant.
Coding change: c.445C>T on transcript NM_007272.3 (MANE Select); coding-DNA position 445, C replaced by T.
Protein change: p.Leu149Phe; replaces leucine 149 with phenylalanine.
Molecular consequence: missense variant.
Genome position (GRCh38, 1-based): chr1:15,443,507, C>T. VCF-style: chr1-15443507-C-T. GRCh37 (hg19) VCF-style: chr1-15770002-C-T.
Other names: p.Leu149Phe; short protein forms L149F.
Identifiers: ClinVar variation 1740761 (VCV001740761.7), dbSNP rs1708166822, ClinGen allele CA338566207.
Genomic context (GRCh38, chr1:15,443,507, plus strand): 5'-GAGCATGTGGAGCTGAGTGACACCATCCAGGTGGCCTGCCTGCCAGAGAAGGACTCCCTG[C>T]TCCCCAAGGACTACCCCTGCTATGTCACCGGCTGGGGCCGCCTCTGGAGTGAGTATCGTC-3'
Protein context (NP_009203.2, residues 139-159): VACLPEKDSL[Leu149Phe]PKDYPCYVTG

ClinVar aggregate classification (germline): Uncertain significance. Review status: criteria provided, multiple submitters, no conflicts (2 of 4 stars). 3 submissions from 3 submitters: Uncertain significance (3). Last evaluated 2025-03-12.

Conditions:
Hereditary pancreatitis (PCTT). Also called: Hereditary chronic pancreatitis; PRSS1-Related Hereditary Pancreatitis. Identifiers: Orphanet 676, MedGen C0238339, MONDO:0008185, OMIM 167800.

Allele frequency attached by ClinVar (database versions not stated): gnomAD exomes below 0.00001.
gnomAD v4.1: 1 of 1,614,230 alleles (0.000062%); highest among the groups gnomAD compares: Non-Finnish European, 0.000085%; no homozygotes.

Submissions (3):

Ambry Genetics
Classification: Uncertain significance for Hereditary pancreatitis. Last evaluated: 2025-03-12. Review status: criteria provided, single submitter. Criteria: Ambry Variant Classification Scheme 2023. Collection method: clinical testing. Allele origin: germline.
Comment: The p.L149F variant (also known as c.445C>T), located in coding exon 5 of the CTRC gene, results from a C to T substitution at nucleotide position 445. The leucine at codon 149 is replaced by phenylalanine, an amino acid with highly similar properties. This amino acid position is conserved. In addition, the in silico prediction for this alteration is inconclusive. Since supporting evidence is limited at this time, the clinical significance of this alteration remains unclear.

Labcorp Genetics (formerly Invitae), Labcorp
Classification: Uncertain significance for Hereditary pancreatitis. Last evaluated: 2024-01-18. Review status: criteria provided, single submitter. Criteria: Invitae Variant Classification Sherloc (09022015). Collection method: clinical testing. Allele origin: germline.
Comment: This sequence change replaces leucine, which is neutral and non-polar, with phenylalanine, which is neutral and non-polar, at codon 149 of the CTRC protein (p.Leu149Phe). This variant is not present in population databases (gnomAD no frequency). This variant has not been reported in the literature in individuals affected with CTRC-related conditions. ClinVar contains an entry for this variant (Variation ID: 1740761). Advanced modeling of protein sequence and biophysical properties (such as structural, functional, and spatial information, amino acid conservation, physicochemical variation, residue mobility, and thermodynamic stability) performed at Invitae indicates that this missense variant is not expected to disrupt CTRC protein function with a negative predictive value of 80%. In summary, the available evidence is currently insufficient to determine the role of this variant in disease. Therefore, it has been classified as a Variant of Uncertain Significance.

Mayo Clinic Laboratories, Mayo Clinic
Classification: Uncertain significance. Last evaluated: 2022-09-14. Review status: criteria provided, single submitter. Criteria: ACMG Guidelines, 2015. Collection method: clinical testing. Allele origin: germline. Observed: 1 variant allele.
Comment: PM2